The following is an entry in ClinVar:

NM_000492.4(CFTR):c.2305G>A (p.Val769Ile)

Gene: CFTR (CF transmembrane conductance regulator; plus strand). Cytogenetic location: 7q31.2.
Variant type: single nucleotide variant.
Coding change: c.2305G>A on transcript NM_000492.4 (MANE Select); coding-DNA position 2305, G replaced by A.
Protein change: p.Val769Ile; replaces valine 769 with isoleucine.
Molecular consequence: missense variant.
Genome position (GRCh38, 1-based): chr7:117,592,472, G>A. VCF-style: chr7-117592472-G-A. GRCh37 (hg19) VCF-style: chr7-117232526-G-A.
Other names: short protein forms V769I.
Identifiers: ClinVar variation 801151 (VCV000801151.9), dbSNP rs1379518832, ClinGen allele CA368980936.

ClinVar aggregate classification (germline): Uncertain significance. Review status: criteria provided, multiple submitters, no conflicts (2 of 4 stars). 4 submissions from 4 submitters: Uncertain significance (4). Last evaluated 2024-10-24.

Conditions:
Cystic fibrosis (CF). Also called: MUCOVISCIDOSIS. Identifiers: Orphanet 586, MedGen C0010674, MONDO:0009061, OMIM 219700. Disease mechanism: loss of function.

Allele frequency attached by ClinVar (database versions not stated): gnomAD exomes 0.00001 and below 0.00001; gnomAD 0.00001; TOPMed 0.00001.
gnomAD v4.1: 14 of 1,564,638 alleles (0.00089%); highest among the groups gnomAD compares: Non-Finnish European, 0.0012%; no homozygotes.

Submissions (4):

Women's Health and Genetics/Laboratory Corporation of America, LabCorp
Classification: Uncertain significance. Last evaluated: 2024-10-24. Review status: criteria provided, single submitter. Criteria: LabCorp Variant Classification Summary - May 2015. Collection method: clinical testing. Allele origin: germline.
Comment: Variant summary: CFTR c.2305G>A (p.Val769Ile) results in a conservative amino acid change located in the CFTR regulator domain (IPR025837) of the encoded protein sequence. Three of four in-silico tools predict a damaging effect of the variant on protein function. The variant allele was found at a frequency of 4.7e-06 in 211512 control chromosomes. The available data on variant occurrences in the general population are insufficient to allow any conclusion about variant significance. c.2305G>A has been reported in the literature in at-least one individual with symptoms suggestive of Cystic Fibrosis (example: Minso_2020). These report(s) do not provide unequivocal conclusions about association of the variant with Cystic Fibrosis. To our knowledge, no experimental evidence demonstrating an impact on protein function has been reported. The following publication has been ascertained in the context of this evaluation (PMID: 33020115). ClinVar contains an entry for this variant (Variation ID: 801151). Based on the evidence outlined above, the variant was classified as uncertain significance.

Ambry Genetics
Classification: Uncertain significance for Cystic fibrosis. Last evaluated: 2023-06-12. Review status: criteria provided, single submitter. Criteria: Ambry Variant Classification Scheme 2023. Collection method: clinical testing. Allele origin: germline.
Comment: The p.V769I variant (also known as c.2305G>A), located in coding exon 14 of the CFTR gene, results from a G to A substitution at nucleotide position 2305. The valine at codon 769 is replaced by isoleucine, an amino acid with highly similar properties. This amino acid position is highly conserved in available vertebrate species. In addition, the in silico prediction for this alteration is inconclusive. Since supporting evidence is limited at this time, the clinical significance of this alteration remains unclear.

Labcorp Genetics (formerly Invitae), Labcorp
Classification: Uncertain significance for Cystic fibrosis. Last evaluated: 2021-08-31. Review status: criteria provided, single submitter. Criteria: Invitae Variant Classification Sherloc (09022015). Collection method: clinical testing. Allele origin: germline.
Comment: This sequence change replaces valine with isoleucine at codon 769 of the CFTR protein (p.Val769Ile). The valine residue is moderately conserved and there is a small physicochemical difference between valine and isoleucine. This variant is not present in population databases (ExAC no frequency). This variant has not been reported in the literature in individuals affected with CFTR-related conditions. ClinVar contains an entry for this variant (Variation ID: 801151). Algorithms developed to predict the effect of missense changes on protein structure and function are either unavailable or do not agree on the potential impact of this missense change (SIFT: "Deleterious"; PolyPhen-2: "Probably Damaging"; Align-GVGD: "Class C0"). In summary, the available evidence is currently insufficient to determine the role of this variant in disease. Therefore, it has been classified as a Variant of Uncertain Significance.

Quest Diagnostics Nichols Institute San Juan Capistrano
Classification: Uncertain significance. Last evaluated: 2018-09-13. Review status: criteria provided, single submitter. Criteria: Quest Diagnostics criteria. Collection method: clinical testing. Allele origin: germline.

Literature cited by the submitters: PubMed 33020115 (cited by Women's Health and Genetics/Laboratory Corporation of America, LabCorp).